The following is an entry in ClinVar:

ClinVar aggregate classification (germline): Uncertain significance (1 of 4 stars; one submission).

Conditions:
Intellectual developmental disorder, autosomal dominant 50, with behavioral abnormalities. Also called: MENTAL RETARDATION, AUTOSOMAL DOMINANT 50; Intellectual disability, autosomal dominant 50. Identifiers: MedGen C4540470, MONDO:0030916, OMIM 617787.

Submission:

Centre for Mendelian Genomics, University Medical Centre Ljubljana
Classification: Uncertain significance for Intellectual developmental disorder, autosomal dominant 50, with behavioral abnormalities. Last evaluated: 2020-03-25. Review status: criteria provided, single submitter. Criteria: ACMG Guidelines, 2015. Collection method: clinical testing. Allele origin: unknown. Affected: yes.
Comment: This variant was classified as: Uncertain significance. The available evidence on this variant's pathogenicity is insufficient or conflicting. The following ACMG criteria were applied in classifying this variant: PM2,PP3.

NM_057175.5(NAA15):c.1815A>T (p.Lys605Asn)

Gene: NAA15 (N-alpha-acetyltransferase 15, NatA auxiliary subunit; plus strand). Cytogenetic location: 4q31.1.
Variant type: single nucleotide variant.
Coding change: c.1815A>T on transcript NM_057175.5 (MANE Select); coding-DNA position 1815, A replaced by T.
Protein change: p.Lys605Asn; replaces lysine 605 with asparagine.
Molecular consequence: missense variant.
Genome position (GRCh38, 1-based): chr4:139,370,272, A>T. VCF-style: chr4-139370272-A-T. GRCh37 (hg19) VCF-style: chr4-140291426-A-T.
Other names: short protein forms K605N.
Identifiers: ClinVar variation 930712 (VCV000930712.3), dbSNP rs1748399304, ClinGen allele CA358269471.